The following is an entry in ClinVar:

NM_000447.3(PSEN2):c.622G>A (p.Val208Ile)

Gene: PSEN2 (presenilin 2; plus strand). Cytogenetic location: 1q42.13.
Variant type: single nucleotide variant.
Coding change: c.622G>A on transcript NM_000447.3 (MANE Select); coding-DNA position 622, G replaced by A.
Protein change: p.Val208Ile; replaces valine 208 with isoleucine.
Molecular consequence: missense variant.
Genome position (GRCh38, 1-based): chr1:226,888,884, G>A. VCF-style: chr1-226888884-G-A. GRCh37 (hg19) VCF-style: chr1-227076585-G-A.
Other names: c.622G>A, p.Val208Ile (NM_012486.3); short protein forms V208I.
Identifiers: ClinVar variation 2782904 (VCV002782904.3), dbSNP rs1661546715, ClinGen allele CA345040352.

ClinVar aggregate classification (germline): Uncertain significance (1 of 4 stars; one submission).

Conditions:
Alzheimer disease 4 (AD4). Identifiers: Orphanet 1020, MedGen C1847200, MONDO:0011743, OMIM 606889.

gnomAD v4.1: 1 of 1,614,222 alleles (0.000062%); highest among the groups gnomAD compares: Non-Finnish European, 0.000085%; no homozygotes.

Submission:

Labcorp Genetics (formerly Invitae), Labcorp
Classification: Uncertain significance for Alzheimer disease 4. Last evaluated: 2023-01-02. Review status: criteria provided, single submitter. Criteria: Invitae Variant Classification Sherloc (09022015). Collection method: clinical testing. Allele origin: germline.
Comment: This sequence change replaces valine, which is neutral and non-polar, with isoleucine, which is neutral and non-polar, at codon 208 of the PSEN2 protein (p.Val208Ile). This variant is not present in population databases (gnomAD no frequency). This variant has not been reported in the literature in individuals affected with PSEN2-related conditions. Algorithms developed to predict the effect of missense changes on protein structure and function output the following: SIFT: "Tolerated"; PolyPhen-2: "Benign"; Align-GVGD: "Class C0". The isoleucine amino acid residue is found in multiple mammalian species, which suggests that this missense change does not adversely affect protein function. In summary, the available evidence is currently insufficient to determine the role of this variant in disease. Therefore, it has been classified as a Variant of Uncertain Significance.